The following is an entry in ClinVar:

ClinVar aggregate classification (germline): Uncertain significance. Review status: criteria provided, multiple submitters, no conflicts (2 of 4 stars). 3 submissions from 3 submitters: Uncertain significance (3). Last evaluated 2022-07-19.

Conditions:
Autosomal dominant nonsyndromic hearing loss 12. Also called: DEAFNESS, AUTOSOMAL DOMINANT 8. Identifiers: Orphanet 90635, MedGen C1832187, MONDO:0011102, OMIM 601543.

Allele frequency attached by ClinVar (database versions not stated): TOPMed below 0.00001; gnomAD exomes 0.00001; ESP Exome Variant Server 0.00008.
gnomAD v4.1: 19 of 1,613,158 alleles (0.0012%); highest among the groups gnomAD compares: Non-Finnish European, 0.0015%; no homozygotes.

Submissions (3):

Labcorp Genetics (formerly Invitae), Labcorp
Classification: Uncertain significance. Last evaluated: 2022-07-19. Review status: criteria provided, single submitter. Criteria: Invitae Variant Classification Sherloc (09022015). Collection method: clinical testing. Allele origin: germline.
Comment: This variant is not present in population databases (gnomAD no frequency). In summary, the available evidence is currently insufficient to determine the role of this variant in disease. Therefore, it has been classified as a Variant of Uncertain Significance. Algorithms developed to predict the effect of sequence changes on RNA splicing suggest that this variant may create or strengthen a splice site. Algorithms developed to predict the effect of missense changes on protein structure and function are either unavailable or do not agree on the potential impact of this missense change (SIFT: "Deleterious"; PolyPhen-2: "Probably Damaging"; Align-GVGD: "Class C15"). ClinVar contains an entry for this variant (Variation ID: 1028888). This variant has not been reported in the literature in individuals affected with TECTA-related conditions. This sequence change replaces phenylalanine, which is neutral and non-polar, with leucine, which is neutral and non-polar, at codon 1498 of the TECTA protein (p.Phe1498Leu).

Baylor Genetics
Classification: Uncertain significance for Autosomal dominant nonsyndromic hearing loss 12. Last evaluated: 2019-04-11. Review status: criteria provided, single submitter. Criteria: ACMG Guidelines, 2015. Collection method: clinical testing. Allele origin: paternal. Affected: yes.
Comment: This variant was determined to be of uncertain significance according to ACMG Guidelines, 2015 [PMID:25741868].

Blueprint Genetics
Classification: Uncertain significance. Last evaluated: 2017-08-02. Review status: criteria provided, single submitter. Criteria: ACMG Guidelines, 2015. Collection method: clinical testing. Allele origin: germline.

NM_005422.4(TECTA):c.4494C>A (p.Phe1498Leu)

Genes: TBCEL-TECTA (TBCEL-TECTA readthrough; plus strand), TECTA (tectorin alpha; plus strand). Cytogenetic location: 11q23.3.
Variant type: single nucleotide variant.
Coding change: c.4494C>A on transcript NM_005422.4 (MANE Select); coding-DNA position 4494, C replaced by A.
Protein change: p.Phe1498Leu; replaces phenylalanine 1498 with leucine.
Molecular consequence: missense variant.
Genome position (GRCh38, 1-based): chr11:121,158,029, C>A. VCF-style: chr11-121158029-C-A. GRCh37 (hg19) VCF-style: chr11-121028738-C-A.
Other names: c.5451C>A, p.Phe1817Leu (NM_001378761.1); short protein forms F1498L, F1817L.
Identifiers: ClinVar variation 1028888 (VCV001028888.9), dbSNP rs374996667, ClinGen allele CA229844252.
Genomic context (GRCh38, chr11:121,158,029, plus strand): 5'-CTGCTTCAGCACCAAGACCTCCTACTGCCTGGCGGCCGGCGGCGGCGTCTTCCGCACCTT[C>A]GACGGCGCCTTCCTGCGCTTCCCAGCCAACTGCGCCTTCGTGCTGTCCACCATCTGCCAG-3'
Protein context (NP_005413.2, residues 1488-1508): LAAGGGVFRT[Phe1498Leu]DGAFLRFPAN